The following is an entry in ClinVar:

NM_025137.4(SPG11):c.3338C>A (p.Pro1113His)

Gene: SPG11 (SPG11 vesicle trafficking associated, spatacsin; minus strand). Cytogenetic location: 15q21.1.
Variant type: single nucleotide variant.
Coding change: c.3338C>A on transcript NM_025137.4 (MANE Select); coding-DNA position 3338, C replaced by A.
Protein change: p.Pro1113His; replaces proline 1113 with histidine.
Molecular consequence: missense variant.
Genome position (GRCh38, 1-based): chr15:44,608,559, G>T on the plus strand (C>A on the coding strand, the complement: SPG11 is on the minus strand). VCF-style: chr15-44608559-G-T. GRCh37 (hg19) VCF-style: chr15-44900757-G-T.
Other names: c.3338C>A, p.Pro1113His (NM_001160227.2); short protein forms P1113H.
Identifiers: ClinVar variation 1348521 (VCV001348521.8), dbSNP rs2083380998, ClinGen allele CA392225017.

ClinVar aggregate classification (germline): Uncertain significance (1 of 4 stars; one submission).

Conditions:
Hereditary spastic paraplegia 11. Also called: Spastic Paraplegia 11; Nakamura Osame syndrome; Autosomal recessive hereditary spastic paraplegia, mental impairment, and thin corpus callosum; SPASTIC PARAPLEGIA, AUTOSOMAL RECESSIVE, COMPLICATED, WITH THIN CORPUS CALLOSUM; SPASTIC PARAPLEGIA, AUTOSOMAL RECESSIVE, WITH MENTAL IMPAIRMENT AND THIN CORPUS CALLOSUM; Spastic paraplegia, mental retardation and thin corpus callosum. Identifiers: Orphanet 2822, MedGen C1858479, MONDO:0011445, OMIM 604360.

Submission:

Labcorp Genetics (formerly Invitae), Labcorp
Classification: Uncertain significance for Hereditary spastic paraplegia 11. Last evaluated: 2020-11-17. Review status: criteria provided, single submitter. Criteria: Invitae Variant Classification Sherloc (09022015). Collection method: clinical testing. Allele origin: germline.
Comment: In summary, the available evidence is currently insufficient to determine the role of this variant in disease. Therefore, it has been classified as a Variant of Uncertain Significance. This sequence change replaces proline with histidine at codon 1113 of the SPG11 protein (p.Pro1113His). The proline residue is highly conserved and there is a moderate physicochemical difference between proline and histidine. This variant is not present in population databases (ExAC no frequency). This variant has not been reported in the literature in individuals with SPG11-related conditions. Algorithms developed to predict the effect of missense changes on protein structure and function are either unavailable or do not agree on the potential impact of this missense change (SIFT: "Tolerated"; PolyPhen-2: "Probably Damaging"; Align-GVGD: "Class C15").